The following is an entry in ClinVar:

NM_016169.4(SUFU):c.1280A>G (p.His427Arg)

Gene: SUFU (SUFU negative regulator of hedgehog signaling; plus strand). Cytogenetic location: 10q24.32.
Variant type: single nucleotide variant.
Coding change: c.1280A>G on transcript NM_016169.4 (MANE Select); coding-DNA position 1280, A replaced by G.
Protein change: p.His427Arg; replaces histidine 427 with arginine.
Molecular consequence: missense variant.
Genome position (GRCh38, 1-based): chr10:102,617,412, A>G. VCF-style: chr10-102617412-A-G. GRCh37 (hg19) VCF-style: chr10-104377169-A-G.
Other names: c.1280A>G, p.His427Arg (NM_001178133.2); short protein forms H427R.
Identifiers: ClinVar variation 650905 (VCV000650905.18), dbSNP rs771305734, ClinGen allele CA5667916.

ClinVar aggregate classification (germline): Conflicting classifications of pathogenicity. Review status: criteria provided, conflicting classifications (1 of 4 stars). 5 submissions from 5 submitters: Uncertain significance (4); Benign (1). Last evaluated 2025-09-03.

Conditions:
Hereditary cancer-predisposing syndrome. Also called: Hereditary Cancer Syndrome; Tumor predisposition; Neoplastic Syndromes, Hereditary; Hereditary neoplastic syndrome. Identifiers: Orphanet 140162, MedGen C0027672, MeSH D009386, MONDO:0015356.
Familial meningioma. Also called: Meningioma, familial, susceptibility to. Identifiers: Orphanet 263662, MedGen C3551915, MONDO:0011789, OMIM 607174.
Gorlin syndrome. Also called: Basal cell nevus syndrome; Nevoid Basal Cell Carcinoma Syndrome. Identifiers: Orphanet 377, MedGen C0004779, MONDO:0007187.
Medulloblastoma (MDB). Also called: Medulloblastoma, somatic; MEDULLOBLASTOMA PREDISPOSITION SYNDROME. Identifiers: Orphanet 616, MedGen C0025149, MeSH D008527, MONDO:0007959, OMIM 155255, HP:0002885.

Allele frequency attached by ClinVar (database versions not stated): gnomAD exomes 0.00001 and 0.00002; TOPMed 0.00001; ExAC 0.00002.
gnomAD v4.1: 5 of 1,614,218 alleles (0.00031%); highest among the groups gnomAD compares: Admixed American, 0.0083%; no homozygotes.

Submissions (5):

Labcorp Genetics (formerly Invitae), Labcorp
Classification: Uncertain significance for Gorlin syndrome; Medulloblastoma. Last evaluated: 2025-09-03. Review status: criteria provided, single submitter. Criteria: Invitae Variant Classification Sherloc (09022015). Collection method: clinical testing. Allele origin: germline.
Comment: This sequence change replaces histidine, which is basic and polar, with arginine, which is basic and polar, at codon 427 of the SUFU protein (p.His427Arg). This variant is present in population databases (rs771305734, gnomAD 0.01%). This variant has not been reported in the literature in individuals affected with SUFU-related conditions. ClinVar contains an entry for this variant (Variation ID: 650905). Invitae Evidence Modeling of protein sequence and biophysical properties (such as structural, functional, and spatial information, amino acid conservation, physicochemical variation, residue mobility, and thermodynamic stability) indicates that this missense variant is not expected to disrupt SUFU protein function with a negative predictive value of 80%. In summary, the available evidence is currently insufficient to determine the role of this variant in disease. Therefore, it has been classified as a Variant of Uncertain Significance.

Quest Diagnostics Nichols Institute San Juan Capistrano
Classification: Uncertain significance. Last evaluated: 2024-10-02. Review status: criteria provided, single submitter. Criteria: Quest Diagnostics criteria. Collection method: clinical testing. Allele origin: unknown.
Comment: The SUFU c.1280A>G (p.His427Arg) variant has been reported in the published literature in an individual with Ependymoma. The frequency of this variant in the general population, 0.00014 (5/34588 chromosomes in Admixed American subpopulation (Genome Aggregation Database)), is higher than would generally be expected for pathogenic variants in this gene. Analysis of this variant using bioinformatics tools for the prediction of the effect of amino acid changes on protein structure and function yielded conflicting predictions that this variant is deleterious or benign. Based on the available information, we are unable to determine the clinical significance of this variant.

GeneDx
Classification: Uncertain significance. Last evaluated: 2024-03-04. Review status: criteria provided, single submitter. Criteria: GeneDx Variant Classification Process June 2021. Collection method: clinical testing. Allele origin: germline. Affected: yes.
Comment: Not observed at significant frequency in large population cohorts (gnomAD); In silico analysis supports that this missense variant does not alter protein structure/function; Observed in a patient with ependymoma (PMID: 26580448); This variant is associated with the following publications: (PMID: 12426310, 26580448)

Ambry Genetics
Classification: Benign for Hereditary cancer-predisposing syndrome. Last evaluated: 2023-12-13. Review status: criteria provided, single submitter. Criteria: Ambry Variant Classification Scheme 2023. Collection method: clinical testing. Allele origin: germline.

Baylor Genetics
Classification: Uncertain significance for Familial meningioma. Last evaluated: 2023-09-15. Review status: criteria provided, single submitter. Criteria: ACMG Guidelines, 2015. Collection method: clinical testing. Allele origin: unknown.

Literature cited by the submitters: PubMed 26580448 (cited by Quest Diagnostics Nichols Institute San Juan Capistrano and Ambry Genetics).